The following is an entry in ClinVar:

NM_030665.4(RAI1):c.210A>G (p.Ala70=)

Gene: RAI1 (retinoic acid induced 1; plus strand). Cytogenetic location: 17p11.2.
Variant type: single nucleotide variant.
Coding change: c.210A>G on transcript NM_030665.4 (MANE Select); coding-DNA position 210, A replaced by G.
Protein change: p.Ala70=; no amino-acid change (alanine 70 retained).
Molecular consequence: synonymous variant.
Genome position (GRCh38, 1-based): chr17:17,793,158, A>G. VCF-style: chr17-17793158-A-G. GRCh37 (hg19) VCF-style: chr17-17696472-A-G.
Other names: c.210A>G (NM_030665.3).
Identifiers: ClinVar variation 1585781 (VCV001585781.9), dbSNP rs1567913336, ClinGen allele CA498422486.
Genomic context (GRCh38, chr17:17,793,158, plus strand): 5'-TTATAACCCGCAGCCTTACCCGAGCTATGAGGGTGGCGCTGGCACGCCCTCTGGCACTGC[A>G]GCCGCGGTGGCCGCCGACAAGTACCACCGAGGCAGCAAGGCCCTGCCCACACAGCAAGGC-3'
Protein context (NP_109590.3, residues 60-80): EGGAGTPSGT[Ala70=]AAVAADKYHR

ClinVar aggregate classification (germline): Likely benign. Review status: criteria provided, multiple submitters, no conflicts (2 of 4 stars). 2 submissions from 2 submitters: Likely benign (2). Last evaluated 2026-06-03.

Conditions:
RAI1-related disorder. Also called: RAI1-related condition.

Allele frequency attached by ClinVar (database versions not stated): gnomAD exomes below 0.00001 and 0.00001; TOPMed below 0.00001.
gnomAD v4.1: 4 of 1,613,270 alleles (0.00025%); highest among the groups gnomAD compares: South Asian, 0.0011%; no homozygotes.

Submissions (2):

PreventionGenetics, part of Exact Sciences
Classification: Likely benign for RAI1-related condition. Last evaluated: 2026-06-03. Review status: criteria provided, single submitter. Criteria: ACMG Guidelines, 2015. Collection method: clinical testing. Allele origin: germline.
Comment: This variant is classified as likely benign based on ACMG/AMP sequence variant interpretation guidelines (Richards et al. 2015 PMID: 25741868, with internal and published modifications).

Labcorp Genetics (formerly Invitae), Labcorp
Classification: Likely benign. Last evaluated: 2024-02-12. Review status: criteria provided, single submitter. Criteria: Invitae Variant Classification Sherloc (09022015). Collection method: clinical testing. Allele origin: germline.